The following is an entry in ClinVar:

NM_032043.3(BRIP1):c.1770C>T (p.Asn590=)

Gene: BRIP1 (BRCA1 interacting DNA helicase 1; minus strand). Cytogenetic location: 17q23.2.
Variant type: single nucleotide variant.
Coding change: c.1770C>T on transcript NM_032043.3 (MANE Select); coding-DNA position 1770, C replaced by T.
Protein change: p.Asn590=; no amino-acid change (asparagine 590 retained).
Molecular consequence: synonymous variant.
Genome position (GRCh38, 1-based): chr17:61,780,864, G>A on the plus strand (C>T on the coding strand, the complement: BRIP1 is on the minus strand). VCF-style: chr17-61780864-G-A. GRCh37 (hg19) VCF-style: chr17-59858225-G-A.
Identifiers: ClinVar variation 1779786 (VCV001779786.8), dbSNP rs2077606990, ClinGen allele CA501150453.

ClinVar aggregate classification (germline): Benign/Likely benign. Review status: criteria provided, multiple submitters, no conflicts (2 of 4 stars). 3 submissions from 3 submitters: Benign (1); Likely benign (2). Last evaluated 2024-08-29.

Conditions:
Hereditary cancer-predisposing syndrome. Also called: Tumor predisposition; Neoplastic Syndromes, Hereditary; Hereditary Cancer Syndrome; Hereditary neoplastic syndrome. Identifiers: Orphanet 140162, MedGen C0027672, MeSH D009386, MONDO:0015356.
Fanconi anemia complementation group J. Also called: BRIP1-Related Fanconi Anemia. Identifiers: Orphanet 84, MedGen C1836860, MONDO:0012187, OMIM 609054.
Familial cancer of breast. Also called: BREAST CANCER, FAMILIAL; Hereditary breast cancer; hereditary breast carcinoma. Identifiers: Orphanet 227535, MedGen C0346153, MONDO:0016419, OMIM 114480. Disease mechanism: loss of function.

Submissions (3):

Myriad Genetics, Inc.
Classification: Benign for Familial cancer of breast. Last evaluated: 2024-08-29. Review status: criteria provided, single submitter. Criteria: Myriad Autosomal Dominant, Autosomal Recessive and X-Linked Classification Criteria (2023). Collection method: clinical testing. Allele origin: unknown.
Comment: This variant is considered benign. This variant is a silent/synonymous amino acid change and it is not expected to impact splicing.

Labcorp Genetics (formerly Invitae), Labcorp
Classification: Likely benign for Familial cancer of breast; Fanconi anemia complementation group J. Last evaluated: 2022-09-18. Review status: criteria provided, single submitter. Criteria: Invitae Variant Classification Sherloc (09022015). Collection method: clinical testing. Allele origin: germline.

Ambry Genetics
Classification: Likely benign for Hereditary cancer-predisposing syndrome. Last evaluated: 2018-05-25. Review status: criteria provided, single submitter. Criteria: Ambry Variant Classification Scheme 2023. Collection method: clinical testing. Allele origin: germline.